The following is an entry in ClinVar:

ClinVar aggregate classification (germline): Pathogenic (1 of 4 stars; one submission).

Conditions:
RYR1-related disorder. Also called: RYR1-related condition; RYR1-related disorders. Identifiers: MedGen CN239331.

Submission:

Labcorp Genetics (formerly Invitae), Labcorp
Classification: Pathogenic for RYR1-related disorder. Last evaluated: 2023-06-15. Review status: criteria provided, single submitter. Criteria: Invitae Variant Classification Sherloc (09022015). Collection method: clinical testing. Allele origin: germline.
Comment: For these reasons, this variant has been classified as Pathogenic. Algorithms developed to predict the effect of sequence changes on RNA splicing suggest that this variant may disrupt the consensus splice site. This variant has not been reported in the literature in individuals affected with RYR1-related conditions. This variant is not present in population databases (gnomAD no frequency). This sequence change creates a premature translational stop signal (p.Ala2979Glnfs*10) in the RYR1 gene. It is expected to result in an absent or disrupted protein product. Loss-of-function variants in RYR1 are known to be pathogenic (PMID: 23919265, 25960145, 28818389, 30611313).

Literature cited by the submitters: PubMed 23919265; PubMed 25960145; PubMed 28818389; PubMed 30611313.

NM_000540.3(RYR1):c.8935_8945del (p.Ala2979fs)

Gene: RYR1 (ryanodine receptor 1; plus strand). Cytogenetic location: 19q13.2.
Variant type: Deletion.
Coding change: c.8935_8945del on transcript NM_000540.3 (MANE Select); coding-DNA positions 8935 to 8945, 11 bases deleted (GCTGTGGTCAG).
Protein change: p.Ala2979fs; shifts the reading frame from alanine 2979.
Molecular consequence: frameshift variant.
Genome position (GRCh38, 1-based): chr19:38,510,500-38,510,510, GCTGTGGTCAG deleted; deleting any 11 consecutive bases within chr19:38,510,498-38,510,510 gives the same sequence; the c. name uses the placement nearest the transcript's 3' end. VCF-style (leftmost placement, unchanged base first): chr19-38510497-GAGGCTGTGGTC-G. GRCh37 (hg19) VCF-style: chr19-39001137-GAGGCTGTGGTC-G.
Other names: c.8935_8945del, p.Ala2979fs (NM_001042723.2); short protein forms A2979fs.
Identifiers: ClinVar variation 2716234 (VCV002716234.3), dbSNP rs2514393555, ClinGen allele CA2697556552.